The following is an entry in ClinVar:

ClinVar aggregate classification (germline): Likely benign. Review status: criteria provided, multiple submitters, no conflicts (2 of 4 stars). 2 submissions from 2 submitters: Likely benign (2). Last evaluated 2025-03-23.

Conditions:
Dilated cardiomyopathy 1G (CMD1G). Identifiers: Orphanet 154, MedGen C1858763, MONDO:0011400, OMIM 604145.
Autosomal recessive limb-girdle muscular dystrophy type 2J (LGMDR10). Also called: Limb-girdle muscular dystrophy, type 2J; MUSCULAR DYSTROPHY, LIMB-GIRDLE, AUTOSOMAL RECESSIVE 10. Identifiers: Orphanet 140922, MedGen C1837342, MONDO:0012127, OMIM 608807.

Allele frequency attached by ClinVar (database versions not stated): gnomAD exomes below 0.00001; gnomAD 0.00001; TOPMed 0.00001; ESP Exome Variant Server 0.00008.
gnomAD v4.1: 2 of 1,606,156 alleles (0.00012%); highest among the groups gnomAD compares: Non-Finnish European, 0.00017%; no homozygotes.

Submissions (2):

Labcorp Genetics (formerly Invitae), Labcorp
Classification: Likely benign for Dilated cardiomyopathy 1G; Autosomal recessive limb-girdle muscular dystrophy type 2J. Last evaluated: 2025-03-23. Review status: criteria provided, single submitter. Criteria: Invitae Variant Classification Sherloc (09022015). Collection method: clinical testing. Allele origin: germline.

CeGaT Center for Human Genetics Tuebingen
Classification: Likely benign. Last evaluated: 2024-04-01. Review status: criteria provided, single submitter. Criteria: CeGaT Center For Human Genetics Tuebingen Variant Classification Criteria Version 2. Collection method: clinical testing. Allele origin: germline. Affected: yes. Observed: 1 variant allele.
Comment: TTN: BP4, BP7

NM_001267550.2(TTN):c.19128T>C (p.Tyr6376=)

Gene: TTN (titin; minus strand). Cytogenetic location: 2q31.2.
Variant type: single nucleotide variant.
Coding change: c.19128T>C on transcript NM_001267550.2 (MANE Select); coding-DNA position 19128, T replaced by C.
Protein change: p.Tyr6376=; no amino-acid change (tyrosine 6376 retained).
Molecular consequence: synonymous variant. On other transcripts: intron variant (3).
Genome position (GRCh38, 1-based): chr2:178,728,910, A>G on the plus strand (T>C on the coding strand, the complement: TTN is on the minus strand). VCF-style: chr2-178728910-A-G. GRCh37 (hg19) VCF-style: chr2-179593637-A-G.
Other names: c.18177T>C, p.Tyr6059= (NM_001256850.1); c.15396T>C, p.Tyr5132= (NM_133378.4); c.13282+9172T>C (NM_003319.4); c.13858+9172T>C (NM_133437.4); c.13657+9172T>C (NM_133432.3).
Identifiers: ClinVar variation 2181319 (VCV002181319.24), dbSNP rs374276199, ClinGen allele CA60977400.